The following is an entry in ClinVar:

ClinVar aggregate classification (germline): Likely benign (1 of 4 stars; one submission).

Conditions:
MIEF1-related condition.

gnomAD v4.1: 4 of 1,612,496 alleles (0.00025%); highest among the groups gnomAD compares: Admixed American, 0.0017%; no homozygotes.

Submission:

PreventionGenetics, part of Exact Sciences
Classification: Likely benign for MIEF1-related condition. Last evaluated: 2025-01-15. Review status: criteria provided, single submitter. Criteria: ACMG Guidelines, 2015. Collection method: clinical testing. Allele origin: germline.
Comment: This variant is classified as likely benign based on ACMG/AMP sequence variant interpretation guidelines (Richards et al. 2015 PMID: 25741868, with internal and published modifications).

NM_019008.6(MIEF1):c.586-7C>G

Gene: MIEF1 (mitochondrial elongation factor 1; plus strand). Cytogenetic location: 22q13.1.
Variant type: single nucleotide variant.
Coding change: c.586-7C>G on transcript NM_019008.6 (MANE Select); 7 bases into the intron before coding-DNA position 586, C replaced by G.
Molecular consequence: intron variant.
Genome position (GRCh38, 1-based): chr22:39,513,510, C>G. VCF-style: chr22-39513510-C-G. GRCh37 (hg19) VCF-style: chr22-39909515-C-G.
Other names: c.586-7C>G (NM_001304564.2).
Identifiers: ClinVar variation 4997647 (VCV004997647.1).